The following is an entry in ClinVar:

NM_000530.8(MPZ):c.206A>G (p.Gln69Arg)

Gene: MPZ (myelin protein zero; minus strand). Cytogenetic location: 1q23.3.
Variant type: single nucleotide variant.
Coding change: c.206A>G on transcript NM_000530.8 (MANE Select); coding-DNA position 206, A replaced by G.
Protein change: p.Gln69Arg; replaces glutamine 69 with arginine.
Molecular consequence: missense variant.
Genome position (GRCh38, 1-based): chr1:161,307,286, T>C on the plus strand (A>G on the coding strand, the complement: MPZ is on the minus strand). VCF-style: chr1-161307286-T-C. GRCh37 (hg19) VCF-style: chr1-161277076-T-C.
Other names: c.206A>G, p.Gln69Arg (NM_001315491.2); short protein forms Q69R.
Identifiers: ClinVar variation 4074580 (VCV004074580.1).
Genomic context (GRCh38, chr1:161,307,286, plus strand): 5'-TATCCAACCCCAGGATTCCCCCAGGCACTCACCGAAATGGCATCTCTGCCCCCTTCGGGC[T>C]GGTAGCGCCAGGTGAAGGAGATGTCATCTGAGACCCACTCACTGGACCAGAAGGAGCAGT-3'
Protein context (NP_000521.2, residues 59-79): SDDISFTWRY[Gln69Arg]PEGGRDAISI

ClinVar aggregate classification (germline): Uncertain significance (1 of 4 stars; one submission).

Submission:

GeneDx
Classification: Uncertain significance. Last evaluated: 2025-02-05. Review status: criteria provided, single submitter. Criteria: GeneDx Variant Classification Process June 2021. Collection method: clinical testing. Allele origin: germline. Affected: yes.
Comment: Not observed at significant frequency in large population cohorts (gnomAD); Missense variants in this gene are a common cause of disease and they are underrepresented in the general population; In silico analysis indicates that this missense variant does not alter protein structure/function; Has not been previously published as pathogenic or benign to our knowledge; This variant is associated with the following publications: (PMID: 26310628, 20461396)